The following is an entry in ClinVar:

NM_021784.5(FOXA2):c.298G>C (p.Ala100Pro)

Gene: FOXA2 (forkhead box A2; minus strand). Cytogenetic location: 20p11.21.
Variant type: single nucleotide variant.
Coding change: c.298G>C on transcript NM_021784.5 (MANE Select); coding-DNA position 298, G replaced by C.
Protein change: p.Ala100Pro; replaces alanine 100 with proline.
Molecular consequence: missense variant.
Genome position (GRCh38, 1-based): chr20:22,582,944, C>G on the plus strand (G>C on the coding strand, the complement: FOXA2 is on the minus strand). VCF-style: chr20-22582944-C-G. GRCh37 (hg19) VCF-style: chr20-22563582-C-G.
Other names: c.280G>C, p.Ala94Pro (NM_153675.3); short protein forms A100P, A94P.
Identifiers: ClinVar variation 1166363 (VCV001166363.39), dbSNP rs201350646, ClinGen allele CA9787064.
Genomic context (GRCh38, chr20:22,582,944, plus strand): 5'-CGAGCGGGCTCAGGCTGGGACTCAAGTGCGGCCCCATGCCCGCCACGCCGGCCGCCCCGG[C>G]CGAGCCGCCCATGCCCGCCATGGCGCCCGCGCCGGGGGACATCCCCGCCAGGGACGGGCT-3'
Protein context (NP_068556.2, residues 90-110): AGAMAGMGGS[Ala100Pro]GAAGVAGMGP

ClinVar aggregate classification (germline): Benign/Likely benign. Review status: criteria provided, multiple submitters, no conflicts (2 of 4 stars). 5 submissions from 5 submitters: Benign (2); Likely benign (2). 1 of the submissions does not count toward it. Last evaluated 2026-01-08.

Conditions:
FOXA2-related disorder. Also called: FOXA2-related condition.

Allele frequency attached by ClinVar (database versions not stated): gnomAD exomes 0.00053 and 0.00095; ExAC 0.00148; gnomAD 0.00649 and 0.00694; TOPMed 0.00700; 1000 Genomes Project 0.00799; 1000 Genomes Project 30x 0.00874.

Submissions (5):

Labcorp Genetics (formerly Invitae), Labcorp
Classification: Benign. Last evaluated: 2026-01-08. Review status: criteria provided, single submitter. Criteria: Invitae Variant Classification Sherloc (09022015). Collection method: clinical testing. Allele origin: germline.

CeGaT Center for Human Genetics Tuebingen
Classification: Benign. Last evaluated: 2022-07-01. Review status: criteria provided, single submitter. Criteria: CeGaT Center For Human Genetics Tuebingen Variant Classification Criteria Version 2. Collection method: clinical testing. Allele origin: germline. Affected: yes. Observed: 1 variant allele.
Comment: FOXA2: BS1, BS2

Genetic Services Laboratory, University of Chicago
Classification: Likely benign. Last evaluated: 2021-07-23. Review status: criteria provided, single submitter. Criteria: ACMG Guidelines, 2015. Collection method: clinical testing. Allele origin: germline. Affected: no.

Breakthrough Genomics
Classification: Likely benign. Review status: criteria provided, single submitter. Criteria: ACMG Guidelines, 2015. Collection method: not provided. Allele origin: germline. Inheritance: Unknown mechanism. Affected: yes.

PreventionGenetics, part of Exact Sciences
Classification: Benign for FOXA2-related condition. Last evaluated: 2019-04-02. Review status: no assertion criteria provided. Collection method: clinical testing. Allele origin: germline. Not counted in ClinVar's aggregate classification.
Comment: This variant is classified as benign based on ACMG/AMP sequence variant interpretation guidelines (Richards et al. 2015 PMID: 25741868, with internal and published modifications).